The following is an entry in ClinVar:

ClinVar aggregate classification (germline): Pathogenic. Review status: criteria provided, multiple submitters, no conflicts (2 of 4 stars). 4 submissions from 3 submitters: Pathogenic (3). 1 of the submissions does not count toward it. Last evaluated 2025-08-07.

Conditions:
Skeletal overgrowth-craniofacial dysmorphism-hyperelastic skin-white matter lesions syndrome. Also called: SKELETAL OVERGROWTH WITH FACIAL DYSMORPHISM, HYPERELASTIC SKIN, WHITE MATTER LESIONS, AND NEUROLOGIC DETERIORATION; Kosaki overgrowth syndrome. Identifiers: Orphanet 477831, MedGen C4225270, MONDO:0014704, OMIM 616592.
Myeloproliferative disorder, chronic, with eosinophilia. Also called: Malignant eosinophil proliferation; EOSINOPHILS, MALIGNANT PROLIFERATION OF. Identifiers: MedGen C1851585, MONDO:0007546, OMIM 131440, HP:0006782.

Submissions (4):

GeneDx
Classification: Pathogenic. Last evaluated: 2025-08-07. Review status: criteria provided, single submitter. Criteria: GeneDx Variant Classification Process June 2021. Collection method: clinical testing. Allele origin: germline. Affected: yes.
Comment: Published functional studies demonstrate the variant results in a gain of function (PMID: 26455322); Not observed at significant frequency in large population cohorts (gnomAD); In silico analysis supports that this missense variant has a deleterious effect on protein structure/function; This variant is associated with the following publications: (PMID: 25454926, 31710779, 33382209, 28639748, 29226947, 32291752, 26455322)

Baylor Genetics
Classification: Pathogenic for Skeletal overgrowth-craniofacial dysmorphism-hyperelastic skin-white matter lesions syndrome. Last evaluated: 2023-03-28. Review status: criteria provided, single submitter. Criteria: ACMG Guidelines, 2015. Collection method: clinical testing. Allele origin: unknown.

Baylor Genetics
Classification: Pathogenic for Myeloproliferative disorder, chronic, with eosinophilia. Last evaluated: 2018-07-06. Review status: criteria provided, single submitter. Criteria: ACMG Guidelines, 2015. Collection method: clinical testing. Allele origin: unknown. Affected: yes.
Comment: This variant was determined to be pathogenic according to ACMG Guidelines, 2015 [PMID:25741868]. Both patients presented somatic overgrowth, hyperelastic and fragile skin, and progressive neurologic deterioration (particularly impaired short-term memory) with white matter lesions on brain imaging [PMID 25454926] Functional studies showed that the P584R change constitutively activate the receptor in the absence of ligand [PMID 26455322]

OMIM
Classification: Pathogenic for KOSAKI OVERGROWTH SYNDROME. Last evaluated: 2015-02-01. Review status: no assertion criteria provided. Collection method: literature only. Allele origin: germline. Not counted in ClinVar's aggregate classification.

Literature cited by the submitters: PubMed 25454926 (cited by Baylor Genetics and OMIM); PubMed 26455322 (cited by Baylor Genetics); PubMed 29226947 (cited by OMIM).

NM_002609.4(PDGFRB):c.1751C>G (p.Pro584Arg)

Gene: PDGFRB (platelet derived growth factor receptor beta; minus strand). Cytogenetic location: 5q32.
Variant type: single nucleotide variant.
Coding change: c.1751C>G on transcript NM_002609.4 (MANE Select); coding-DNA position 1751, C replaced by G.
Protein change: p.Pro584Arg; replaces proline 584 with arginine.
Molecular consequence: missense variant.
Genome position (GRCh38, 1-based): chr5:150,125,501, G>C on the plus strand (C>G on the coding strand, the complement: PDGFRB is on the minus strand). VCF-style: chr5-150125501-G-C. GRCh37 (hg19) VCF-style: chr5-149505064-G-C.
Other names: c.1559C>G, p.Pro520Arg (NM_001355016.2); c.1268C>G, p.Pro423Arg (NM_001355017.2); short protein forms P584R, P423R, P520R.
Identifiers: ClinVar variation 217122 (VCV000217122.6), dbSNP rs863224946, ClinGen allele CA279057.